The following is an entry in ClinVar:

NM_015627.3(LDLRAP1):c.*1222T>C

Gene: LDLRAP1 (low density lipoprotein receptor adaptor protein 1; plus strand). Cytogenetic location: 1p36.11.
Variant type: single nucleotide variant.
Coding change: c.*1222T>C on transcript NM_015627.3 (MANE Select); 1222 bases downstream of the stop codon, T replaced by C.
Molecular consequence: 3 prime UTR variant.
Genome position (GRCh38, 1-based): chr1:25,568,214, T>C. VCF-style: chr1-25568214-T-C. GRCh37 (hg19) VCF-style: chr1-25894705-T-C.
Identifiers: ClinVar variation 297009 (VCV000297009.5), dbSNP rs76969561, ClinGen allele CA10610872.

ClinVar aggregate classification (germline): Likely benign (1 of 4 stars; one submission).

Conditions:
Hypercholesterolemia, familial, 4 (FHCL4). Also called: HYPERCHOLESTEROLEMIA, AUTOSOMAL RECESSIVE, 1; HYPERCHOLESTEROLEMIA, AUTOSOMAL RECESSIVE, 2. Identifiers: Orphanet 391665, MedGen C1863512, MONDO:0011374, OMIM 603813.

Allele frequency attached by ClinVar (database versions not stated): gnomAD 0.02054 and 0.02186; 1000 Genomes Project 0.02137; TOPMed 0.02271; 1000 Genomes Project 30x 0.02280.

Submission:

Illumina Laboratory Services, Illumina
Classification: Likely benign for Hypercholesterolemia, familial, 4. Last evaluated: 2017-04-28. Review status: criteria provided, single submitter. Criteria: ICSL Variant Classification Criteria 13 December 2019. Collection method: clinical testing. Allele origin: germline.
Comment: This variant was observed as part of a predisposition screen in an ostensibly healthy population. A literature search was performed for the gene, cDNA change, and amino acid change (where applicable). No publications were found based on this search. Allele frequency data from public databases allowed determination this variant is unlikely to cause disease. Therefore, this variant is classified as likely benign.